The following is an entry in ClinVar:

NM_174936.4(PCSK9):c.1867A>G (p.Thr623Ala)

Gene: PCSK9 (proprotein convertase subtilisin/kexin type 9; plus strand). Cytogenetic location: 1p32.3.
Variant type: single nucleotide variant.
Coding change: c.1867A>G on transcript NM_174936.4 (MANE Select); coding-DNA position 1867, A replaced by G.
Protein change: p.Thr623Ala; replaces threonine 623 with alanine.
Molecular consequence: missense variant.
Genome position (GRCh38, 1-based): chr1:55,063,372, A>G. VCF-style: chr1-55063372-A-G. GRCh37 (hg19) VCF-style: chr1-55529045-A-G.
Other names: c.1990A>G, p.Thr664Ala (NM_001407240.1); c.1909A>G, p.Thr637Ala (NM_001407241.1); c.1870A>G, p.Thr624Ala (NM_001407242.1); c.1810A>G, p.Thr604Ala (NM_001407243.1); c.1693A>G, p.Thr565Ala (NM_001407244.1); c.1675A>G, p.Thr559Ala (NM_001407245.1); c.1492A>G, p.Thr498Ala (NM_001407246.1); c.1366A>G, p.Thr456Ala (NM_001407247.1); short protein forms T623A, T456A, T604A, T624A, T637A, T664A, T498A, T559A.
Identifiers: ClinVar variation 924580 (VCV000924580.7), dbSNP rs769112641, ClinGen allele CA039476.

ClinVar aggregate classification (germline): Uncertain significance. Review status: criteria provided, multiple submitters, no conflicts (2 of 4 stars). 2 submissions from 2 submitters: Uncertain significance (2). Last evaluated 2024-03-06.

Conditions:
Familial hypercholesterolemia. Also called: Familial hypercholesterolemias; Familial hypercholesterolaemia. Identifiers: MedGen C0020445, MONDO:0005439.
Hypercholesterolemia, autosomal dominant, 3 (FHCL3). Also called: Familial hypercholesterolemia 3; Familial Hypercholesterolemia, Autosomal Dominant, 3; PCSK9-Related Familial Hypercholesterolemia, Autosomal Dominant. Identifiers: MedGen C1863551, MONDO:0011369, OMIM 603776.

Allele frequency attached by ClinVar (database versions not stated): ExAC 0.00001; gnomAD exomes 0.00001.
gnomAD v4.1: 13 of 1,613,494 alleles (0.00081%); highest among the groups gnomAD compares: Non-Finnish European, 0.0011%; no homozygotes.

Submissions (2):

Color Diagnostics, LLC DBA Color Health
Classification: Uncertain significance for Familial hypercholesterolemia. Last evaluated: 2024-03-06. Review status: criteria provided, single submitter. Criteria: ACMG Guidelines, 2015. Collection method: clinical testing. Allele origin: germline.
Comment: This missense variant replaces threonine with alanine at codon 623 of the PCSK9 protein. Computational prediction suggests that this variant may not impact protein structure and function (internally defined REVEL score threshold <= 0.5, PMID: 27666373). To our knowledge, functional studies have not been reported for this variant. This variant has not been reported in individuals affected with PCSK9-related disorders in the literature. This variant has been identified in 3/247678 chromosomes in the general population by the Genome Aggregation Database (gnomAD). The available evidence is insufficient to determine the role of this variant in disease conclusively. Therefore, this variant is classified as a Variant of Uncertain Significance.

All of Us Research Program, National Institutes of Health
Classification: Uncertain significance for Hypercholesterolemia, autosomal dominant, 3. Last evaluated: 2023-03-09. Review status: criteria provided, single submitter. Criteria: ACMG Guidelines, 2015. Collection method: clinical testing. Allele origin: germline. Inheritance: Autosomal dominant inheritance. Observed: 1 variant allele, 1 heterozygote.
Comment: Variant of Uncertain Significance due to insufficient evidence: This missense variant replaces threonine with alanine at codon 623 of the PCSK9 protein. Computational prediction tools and conservation analyses suggest that this variant may not impact the protein function. Computational splicing tools suggest that this variant may not impact RNA splicing. To our knowledge, functional assays have not been performed for this variant nor has this variant been reported in individuals affected with familial hypercholesterolemia in the literature. This variant has been identified in 3/247678 chromosomes in the general population by the Genome Aggregation Database (gnomAD). Available evidence is insufficient to determine the role of this variant in disease conclusively.

This study involves interpretation of variants in research participants for the purpose of population health screening. Participant phenotype was not available at the time of variant classification. Additional details can be found in publication PMID: 35346344, PMCID: PMC8962531